The following is an entry in ClinVar:

ClinVar aggregate classification (germline): Pathogenic (1 of 4 stars; one submission).

Submission:

Labcorp Genetics (formerly Invitae), Labcorp
Classification: Pathogenic. Last evaluated: 2023-05-30. Review status: criteria provided, single submitter. Criteria: Invitae Variant Classification Sherloc (09022015). Collection method: clinical testing. Allele origin: germline.
Comment: This sequence change creates a premature translational stop signal (p.Asp42Valfs*31) in the LAT gene. It is expected to result in an absent or disrupted protein product. Loss-of-function variants in LAT are known to be pathogenic (PMID: 27242165, 27522155). This variant is not present in population databases (gnomAD no frequency). This variant has not been reported in the literature in individuals affected with LAT-related conditions. For these reasons, this variant has been classified as Pathogenic.

Literature cited by the submitters: PubMed 27242165; PubMed 27522155.

NM_001014987.2(LAT):c.125_128del (p.Asp42fs)

Gene: LAT (linker for activation of T cells; plus strand). Cytogenetic location: 16p11.2.
Variant type: Deletion.
Coding change: c.125_128del on transcript NM_001014987.2 (MANE Select); coding-DNA positions 125 to 128, 4 bases deleted (ATAG; older notation c.125_128delATAG).
Protein change: p.Asp42fs; shifts the reading frame from aspartic acid 42.
Molecular consequence: frameshift variant.
Genome position (GRCh38, 1-based): chr16:28,985,737-28,985,740, ATAG deleted; deleting any 4 consecutive bases within chr16:28,985,735-28,985,740 gives the same sequence; the c. name uses the placement nearest the transcript's 3' end. VCF-style (leftmost placement, unchanged base first): chr16-28985734-CAGAT-C. GRCh37 (hg19) VCF-style: chr16-28997055-CAGAT-C.
Other names: c.125_128del, p.Asp42fs (NM_001014988.2, NM_014387.4); c.233_236del, p.Asp78fs (NM_001014989.2); short protein forms D78fs, D42fs.
Identifiers: ClinVar variation 2751748 (VCV002751748.3), dbSNP rs2506676388, ClinGen allele CA2697555768.